The following is an entry in ClinVar:

ClinVar aggregate classification (germline): Conflicting classifications of pathogenicity. Review status: criteria provided, conflicting classifications (1 of 4 stars). 2 submissions from 2 submitters: Uncertain significance (1); Likely benign (1). Last evaluated 2024-09-13.

Conditions:
Hereditary cancer-predisposing syndrome. Also called: Hereditary neoplastic syndrome; Neoplastic Syndromes, Hereditary; Tumor predisposition; Hereditary Cancer Syndrome. Identifiers: Orphanet 140162, MedGen C0027672, MeSH D009386, MONDO:0015356.
Rhabdoid tumor predisposition syndrome 2 (RTPS2). Identifiers: Orphanet 231108, Orphanet 69077, MedGen C2750074, MONDO:0013224, OMIM 613325.

Allele frequency attached by ClinVar (database versions not stated): TOPMed below 0.00001; ExAC 0.00001; gnomAD 0.00001; gnomAD exomes 0.00001.
gnomAD v4.1: 12 of 1,613,964 alleles (0.00074%); highest among the groups gnomAD compares: Non-Finnish European, 0.001%; no homozygotes.

Submissions (2):

Ambry Genetics
Classification: Likely benign for Hereditary cancer-predisposing syndrome. Last evaluated: 2024-09-13. Review status: criteria provided, single submitter. Criteria: Ambry Variant Classification Scheme 2023. Collection method: clinical testing. Allele origin: germline.

Labcorp Genetics (formerly Invitae), Labcorp
Classification: Uncertain significance for Rhabdoid tumor predisposition syndrome 2. Last evaluated: 2024-09-12. Review status: criteria provided, single submitter. Criteria: Invitae Variant Classification Sherloc (09022015). Collection method: clinical testing. Allele origin: germline.
Comment: This sequence change replaces valine, which is neutral and non-polar, with methionine, which is neutral and non-polar, at codon 622 of the SMARCA4 protein (p.Val622Met). This variant is present in population databases (rs745382051, gnomAD 0.006%). This variant has not been reported in the literature in individuals affected with SMARCA4-related conditions. ClinVar contains an entry for this variant (Variation ID: 470264). Invitae Evidence Modeling of protein sequence and biophysical properties (such as structural, functional, and spatial information, amino acid conservation, physicochemical variation, residue mobility, and thermodynamic stability) indicates that this missense variant is not expected to disrupt SMARCA4 protein function with a negative predictive value of 95%. In summary, the available evidence is currently insufficient to determine the role of this variant in disease. Therefore, it has been classified as a Variant of Uncertain Significance.

NM_003072.5(SMARCA4):c.1864G>A (p.Val622Met)

Gene: SMARCA4 (SWI/SNF related BAF chromatin remodeling complex subunit ATPase 4; plus strand). Cytogenetic location: 19p13.2.
Variant type: single nucleotide variant.
Coding change: c.1864G>A on transcript NM_003072.5 (MANE Select); coding-DNA position 1864, G replaced by A.
Protein change: p.Val622Met; replaces valine 622 with methionine.
Molecular consequence: missense variant. On other transcripts: non-coding transcript variant (1).
Genome position (GRCh38, 1-based): chr19:11,003,080, G>A. VCF-style: chr19-11003080-G-A. GRCh37 (hg19) VCF-style: chr19-11113756-G-A.
Other names: c.1864G>A, p.Val622Met (NM_001128847.4, NM_001128848.2, NM_001128849.3 and 5 more transcripts); short protein forms V622M.
Identifiers: ClinVar variation 470264 (VCV000470264.14), dbSNP rs745382051, ClinGen allele CA9203925.